The following is an entry in ClinVar:

ClinVar aggregate classification (germline): Uncertain significance (1 of 4 stars; one submission).

Submission:

Labcorp Genetics (formerly Invitae), Labcorp
Classification: Uncertain significance. Last evaluated: 2025-07-09. Review status: criteria provided, single submitter. Criteria: Invitae Variant Classification Sherloc (09022015). Collection method: clinical testing. Allele origin: germline.
Comment: This sequence change replaces proline, which is neutral and non-polar, with leucine, which is neutral and non-polar, at codon 23 of the MFAP5 protein (p.Pro23Leu). This variant is not present in population databases (gnomAD no frequency). This variant has not been reported in the literature in individuals affected with MFAP5-related conditions. An algorithm developed to predict the effect of missense changes on protein structure and function outputs the following: PolyPhen-2: "Benign". The leucine amino acid residue is found in multiple mammalian species, which suggests that this missense change does not adversely affect protein function. In summary, the available evidence is currently insufficient to determine the role of this variant in disease. Therefore, it has been classified as a Variant of Uncertain Significance.

NM_003480.4(MFAP5):c.68C>T (p.Pro23Leu)

Gene: MFAP5 (microfibril associated protein 5; minus strand). Cytogenetic location: 12p13.31.
Variant type: single nucleotide variant.
Coding change: c.68C>T on transcript NM_003480.4 (MANE Select); coding-DNA position 68, C replaced by T.
Protein change: p.Pro23Leu; replaces proline 23 with leucine.
Molecular consequence: missense variant. On other transcripts: non-coding transcript variant (2), intron variant (1).
Genome position (GRCh38, 1-based): chr12:8,660,889, G>A on the plus strand (C>T on the coding strand, the complement: MFAP5 is on the minus strand). VCF-style: chr12-8660889-G-A. GRCh37 (hg19) VCF-style: chr12-8813485-G-A.
Other names: c.68C>T, p.Pro23Leu (NM_001297709.2, NM_001297711.2, NM_001297712.2); c.58+1158C>T (NM_001297710.2); short protein forms P23L.
Identifiers: ClinVar variation 4777677 (VCV004777677.1).